The following is an entry in ClinVar:

ClinVar aggregate classification (germline): Uncertain significance. Review status: criteria provided, multiple submitters, no conflicts (2 of 4 stars). 2 submissions from 2 submitters: Uncertain significance (2). Last evaluated 2025-01-08.

Conditions:
Familial hypobetalipoproteinemia 1. Also called: APOB-Related Familial Hypobetalipoproteinemia; Hypobetalipoproteinemia, normotriglyceridemic; Acanthocytosis with hypobetalipoproteinemia. Identifiers: MedGen C4551990, MONDO:0014252, OMIM 615558.
Hypercholesterolemia, autosomal dominant, type B (FHCL2). Also called: Familial Hypercholesterolemia Type B; APOLIPOPROTEIN B-100, FAMILIAL DEFECTIVE; APOLIPOPROTEIN B-100, FAMILIAL LIGAND-DEFECTIVE; HYPERCHOLESTEROLEMIA, FAMILIAL, DUE TO LIGAND-DEFECTIVE APOLIPOPROTEIN B; Familial hypercholesterolemia 2; Hyperlipoproteinemia Type IIb. Identifiers: MedGen C1704417, MONDO:0007751, OMIM 144010.
Cardiovascular phenotype. Identifiers: MedGen CN230736.

Allele frequency attached by ClinVar (database versions not stated): TOPMed below 0.00001; gnomAD 0.00001.
gnomAD v4.1: 1 of 1,613,900 alleles (0.000062%); highest among the groups gnomAD compares: African/African-American, 0.0013%; no homozygotes.

Submissions (2):

Ambry Genetics
Classification: Uncertain significance for Cardiovascular phenotype. Last evaluated: 2025-01-08. Review status: criteria provided, single submitter. Criteria: Ambry Variant Classification Scheme 2023. Collection method: clinical testing. Allele origin: germline.

Labcorp Genetics (formerly Invitae), Labcorp
Classification: Uncertain significance for Familial hypobetalipoproteinemia 1; Hypercholesterolemia, autosomal dominant, type B. Last evaluated: 2020-11-13. Review status: criteria provided, single submitter. Criteria: Invitae Variant Classification Sherloc (09022015). Collection method: clinical testing. Allele origin: germline.
Comment: In summary, the available evidence is currently insufficient to determine the role of this variant in disease. Therefore, it has been classified as a Variant of Uncertain Significance. Algorithms developed to predict the effect of missense changes on protein structure and function are either unavailable or do not agree on the potential impact of this missense change (SIFT: "Deleterious"; PolyPhen-2: "Probably Damaging"; Align-GVGD: "Class C0"). This variant has not been reported in the literature in individuals with APOB-related conditions. This variant is not present in population databases (ExAC no frequency). This sequence change replaces glutamine with lysine at codon 3378 of the APOB protein (p.Gln3378Lys). The glutamine residue is highly conserved and there is a small physicochemical difference between glutamine and lysine.

NM_000384.3(APOB):c.10132C>A (p.Gln3378Lys)

Gene: APOB (apolipoprotein B; minus strand). Cytogenetic location: 2p24.1.
Variant type: single nucleotide variant.
Coding change: c.10132C>A on transcript NM_000384.3 (MANE Select); coding-DNA position 10132, C replaced by A.
Protein change: p.Gln3378Lys; replaces glutamine 3378 with lysine.
Molecular consequence: missense variant.
Genome position (GRCh38, 1-based): chr2:21,006,736, G>T on the plus strand (C>A on the coding strand, the complement: APOB is on the minus strand). VCF-style: chr2-21006736-G-T. GRCh37 (hg19) VCF-style: chr2-21229608-G-T.
Other names: short protein forms Q3378K.
Identifiers: ClinVar variation 1442059 (VCV001442059.9), dbSNP rs1266425413, ClinGen allele CA345987426.